The following is an entry in ClinVar:

ClinVar aggregate classification (germline): Likely benign (0 of 4 stars; one submission).

Conditions:
CEP83-related disorder. Also called: CEP83-related condition.

Allele frequency attached by ClinVar (database versions not stated): TOPMed below 0.00001; gnomAD 0.00001.
gnomAD v4.1: 2 of 1,613,510 alleles (0.00012%); highest among the groups gnomAD compares: Non-Finnish European, 0.000085%; no homozygotes.

Submission:

PreventionGenetics, part of Exact Sciences
Classification: Likely benign for CEP83-related condition. Last evaluated: 2023-10-11. Review status: no assertion criteria provided. Collection method: clinical testing. Allele origin: germline.
Comment: This variant is classified as likely benign based on ACMG/AMP sequence variant interpretation guidelines (Richards et al. 2015 PMID: 25741868, with internal and published modifications).

NM_016122.3(CEP83):c.1296T>C (p.Ala432=)

Gene: CEP83 (centrosomal protein 83; minus strand). Cytogenetic location: 12q22.
Variant type: single nucleotide variant.
Coding change: c.1296T>C on transcript NM_016122.3 (MANE Select); coding-DNA position 1296, T replaced by C.
Protein change: p.Ala432=; no amino-acid change (alanine 432 retained).
Molecular consequence: synonymous variant. On other transcripts: non-coding transcript variant (1).
Genome position (GRCh38, 1-based): chr12:94,367,841, A>G on the plus strand (T>C on the coding strand, the complement: CEP83 is on the minus strand). VCF-style: chr12-94367841-A-G. GRCh37 (hg19) VCF-style: chr12-94761617-A-G.
Other names: c.1296T>C, p.Ala432= (NM_001042399.2, NM_001346457.2, NM_001368037.1 and 1 more transcripts); c.984T>C, p.Ala328= (NM_001346458.2, NM_001346459.2, NM_001368039.1 and 1 more transcripts); c.1071T>C, p.Ala357= (NM_001368041.1).
Identifiers: ClinVar variation 3031268 (VCV003031268.2), dbSNP rs1164166356, ClinGen allele CA481501531.
Genomic context (GRCh38, chr12:94,367,841, plus strand): 5'-ATGTATATATAACCTAACACTCTGAAGCTCCTTCCTGGTGATCTCTTCTGCCATCTGTGA[A>G]GCCCGCAATTTCTCTTCATACTGATCCTTTTCAGATTGCCTCCAGACATCATGTTCCACT-3'
Protein context (NP_057206.2, residues 422-442): EKDQYEEKLR[Ala432=]SQMAEEITRK